The following is an entry in ClinVar:

NM_000059.4(BRCA2):c.6941C>T (p.Thr2314Ile)

Gene: BRCA2 (BRCA2 DNA repair associated; plus strand). Cytogenetic location: 13q13.1.
Variant type: single nucleotide variant.
Coding change: c.6941C>T on transcript NM_000059.4 (MANE Select); coding-DNA position 6941, C replaced by T.
Protein change: p.Thr2314Ile; replaces threonine 2314 with isoleucine.
Molecular consequence: missense variant.
Genome position (GRCh38, 1-based): chr13:32,346,830, C>T. VCF-style: chr13-32346830-C-T. GRCh37 (hg19) VCF-style: chr13-32920967-C-T.
Other names: short protein forms T2314I.
Identifiers: ClinVar variation 1499542 (VCV001499542.8), dbSNP rs1177474377, ClinGen allele CA387792972.
Genomic context (GRCh38, chr13:32,346,830, plus strand): 5'-ACATGGATATTCTCTTAGATTTTAACTAATATGTAATATAAAATAATTGTTTCCTAGGCA[C>T]AATAAAAGATCGAAGATTGTTTATGCATCATGTTTCTTTAGAGCCGATTACCTGTGTACC-3'
Protein context (NP_000050.3, residues 2304-2324): LKASKSTPDG[Thr2314Ile]IKDRRLFMHH

ClinVar aggregate classification (germline): Uncertain significance. Review status: criteria provided, multiple submitters, no conflicts (2 of 4 stars). 4 submissions from 4 submitters: Uncertain significance (3). 1 of the submissions does not count toward it. Last evaluated 2024-01-11.

Conditions:
Hereditary cancer-predisposing syndrome. Also called: Tumor predisposition; Hereditary neoplastic syndrome; Neoplastic Syndromes, Hereditary; Hereditary Cancer Syndrome. Identifiers: Orphanet 140162, MedGen C0027672, MeSH D009386, MONDO:0015356.
Hereditary breast ovarian cancer syndrome. Also called: Hereditary breast and ovarian cancer; Breast and ovarian cancer; BRCA1- and BRCA2-Associated Hereditary Breast and Ovarian Cancer; Hereditary breast and ovarian cancer syndrome (HBOC); Hereditary breast and/or ovarian cancer syndrome; Hereditary breast and ovarian cancer syndrome. Identifiers: Orphanet 145, MedGen C0677776, MeSH D061325, MONDO:0003582. Disease mechanism: loss of function.
Breast-ovarian cancer, familial, susceptibility to, 2 (BROVCA2). Also called: BRCA2 Hereditary Breast and Ovarian Cancer. Identifiers: Orphanet 145, MedGen C2675520, MONDO:0012933, OMIM 612555. Disease mechanism: loss of function.
Familial cancer of breast. Also called: hereditary breast carcinoma; Hereditary breast cancer; BREAST CANCER, FAMILIAL. Identifiers: Orphanet 227535, MedGen C0346153, MONDO:0016419, OMIM 114480. Disease mechanism: loss of function.

Submissions (4):

All of Us Research Program, National Institutes of Health
Classification: Uncertain significance for Breast-ovarian cancer, familial, susceptibility to, 2. Last evaluated: 2024-01-11. Review status: criteria provided, single submitter. Criteria: ACMG Guidelines, 2015. Collection method: clinical testing. Allele origin: germline. Inheritance: Autosomal dominant inheritance. Observed: 1 variant allele, 1 heterozygote.
Comment: This study involves interpretation of variants in research participants for the purpose of population health screening. Participant phenotype was not available at the time of variant classification. Additional details can be found in publication PMID: 35346344, PMCID: PMC8962531

Ambry Genetics
Classification: Uncertain significance for Hereditary cancer-predisposing syndrome. Last evaluated: 2022-01-31. Review status: criteria provided, single submitter. Criteria: Ambry Variant Classification Scheme 2023. Collection method: clinical testing. Allele origin: germline.
Comment: The p.T2314I variant (also known as c.6941C>T), located in coding exon 12 of the BRCA2 gene, results from a C to T substitution at nucleotide position 6941. The threonine at codon 2314 is replaced by isoleucine, an amino acid with similar properties. This alteration was identified in an individual diagnosed with breast cancer (Wang J et al. Cancer Med, 2019 05;8:2074-2084). This amino acid position is well conserved in available vertebrate species. In addition, the in silico prediction for this alteration is inconclusive. Since supporting evidence is limited at this time, the clinical significance of this alteration remains unclear.

Labcorp Genetics (formerly Invitae), Labcorp
Classification: Uncertain significance for Hereditary breast ovarian cancer syndrome. Last evaluated: 2021-10-25. Review status: criteria provided, single submitter. Criteria: Invitae Variant Classification Sherloc (09022015). Collection method: clinical testing. Allele origin: germline.
Comment: This sequence change replaces threonine with isoleucine at codon 2314 of the BRCA2 protein (p.Thr2314Ile). The threonine residue is weakly conserved and there is a moderate physicochemical difference between threonine and isoleucine. This variant is not present in population databases (ExAC no frequency). This variant has not been reported in the literature in individuals affected with BRCA2-related conditions. Advanced modeling of protein sequence and biophysical properties (such as structural, functional, and spatial information, amino acid conservation, physicochemical variation, residue mobility, and thermodynamic stability) performed at Invitae indicates that this missense variant is not expected to disrupt BRCA2 protein function. In summary, the available evidence is currently insufficient to determine the role of this variant in disease. Therefore, it has been classified as a Variant of Uncertain Significance.

Center for Precision Medicine, Meizhou People's Hospital
Classification: Likely benign for Familial cancer of breast. Review status: no assertion criteria provided. Collection method: literature only. Allele origin: germline. Affected: yes. Not counted in ClinVar's aggregate classification.

Literature cited by the submitters: PubMed 30982232 (cited by Ambry Genetics); PubMed 33471991 (cited by Center for Precision Medicine, Meizhou People's Hospital).